The following is an entry in ClinVar:

NM_020166.5(MCCC1):c.1208T>G (p.Val403Gly)

Gene: MCCC1 (methylcrotonyl-CoA carboxylase subunit 1; minus strand). Cytogenetic location: 3q27.1.
Variant type: single nucleotide variant.
Coding change: c.1208T>G on transcript NM_020166.5 (MANE Select); coding-DNA position 1208, T replaced by G.
Protein change: p.Val403Gly; replaces valine 403 with glycine.
Molecular consequence: missense variant. On other transcripts: non-coding transcript variant (2).
Genome position (GRCh38, 1-based): chr3:183,041,626, A>C on the plus strand (T>G on the coding strand, the complement: MCCC1 is on the minus strand). VCF-style: chr3-183041626-A-C. GRCh37 (hg19) VCF-style: chr3-182759414-A-C.
Other names: c.857T>G, p.Val286Gly (NM_001293273.2); c.881T>G, p.Val294Gly (NM_001363880.1); short protein forms V294G, V403G, V286G.
Identifiers: ClinVar variation 2073107 (VCV002073107.4), dbSNP rs2530165823, ClinGen allele CA355322591.
Genomic context (GRCh38, chr3:183,041,626, plus strand): 5'-CCTTGCCGTACTCCAGTTTCAATCCTGGTGGAAGGGTCTGCTCGAGGAGTAGAGAGGTGC[A>C]CTAATGGGCCTGCCACAGGCATGAAGTTATTGCTAGGATCTTCTGCATATATTCTAGCTT-3'
Protein context (NP_064551.3, residues 393-413): NNFMPVAGPL[Val403Gly]HLSTPRADPS

ClinVar aggregate classification (germline): Uncertain significance (1 of 4 stars; one submission).

Conditions:
3-methylcrotonyl-CoA carboxylase 1 deficiency (MCC1D). Also called: MCC 1 deficiency; 3 Alpha methylcrotonylglycinuria 1; MCCD TYPE 1; METHYLCROTONYLGLYCINURIA TYPE I. Identifiers: Orphanet 6, MedGen CN028786, MONDO:0008861, OMIM 210200.

Submission:

Labcorp Genetics (formerly Invitae), Labcorp
Classification: Uncertain significance for 3-methylcrotonyl-CoA carboxylase 1 deficiency. Last evaluated: 2022-03-26. Review status: criteria provided, single submitter. Criteria: Invitae Variant Classification Sherloc (09022015). Collection method: clinical testing. Allele origin: germline.
Comment: This variant has not been reported in the literature in individuals affected with MCCC1-related conditions. Algorithms developed to predict the effect of missense changes on protein structure and function (SIFT, PolyPhen-2, Align-GVGD) all suggest that this variant is likely to be tolerated. In summary, the available evidence is currently insufficient to determine the role of this variant in disease. Therefore, it has been classified as a Variant of Uncertain Significance. This variant is not present in population databases (gnomAD no frequency). This sequence change replaces valine, which is neutral and non-polar, with glycine, which is neutral and non-polar, at codon 403 of the MCCC1 protein (p.Val403Gly).